The following is an entry in ClinVar:

ClinVar aggregate classification (germline): Pathogenic/Likely pathogenic. Review status: criteria provided, multiple submitters, no conflicts (2 of 4 stars). 3 submissions from 3 submitters: Pathogenic (1); Likely pathogenic (2). Last evaluated 2025-10-23.

Conditions:
Autosomal dominant hypocalcemia 1 (HYPOC1). Also called: HYPOCALCEMIA, FAMILIAL. Identifiers: MedGen C3715128, MONDO:0011013, OMIM 601198.
Familial hypocalciuric hypercalcemia (FHH). Also called: Familial benign hypercalcemia. Identifiers: Orphanet 405, MedGen C1809471, MONDO:0018458.
Familial hypocalciuric hypercalcemia 1. Also called: Hypercalcemia, familial benign type 1. Identifiers: Orphanet 405, Orphanet 93372, MedGen C0342637, MONDO:0007791, OMIM 145980.

Submissions (3):

Labcorp Genetics (formerly Invitae), Labcorp
Classification: Pathogenic for Familial hypocalciuric hypercalcemia; Autosomal dominant hypocalcemia 1. Last evaluated: 2025-10-23. Review status: criteria provided, single submitter. Criteria: Invitae Variant Classification Sherloc (09022015). Collection method: clinical testing. Allele origin: germline.
Comment: This sequence change affects the initiator codon of the CASR mRNA. This change may impact translation initiation or efficiency. The next in-frame methionine is located at codon 74. This variant is not present in population databases (gnomAD no frequency). Disruption of the initiator codon has been observed in individual(s) with clinical features of autosomal recessive neonatal severe hyperparathyroidism (PMID: 17121537). ClinVar contains an entry for this variant (Variation ID: 1321411). Algorithms developed to predict the effect of variants on gene product structure and function are not available or were not evaluated for this variant. Experimental studies have shown that disruption of the initiator codon affects CASR function (PMID: 17121537). This variant disrupts a region of the CASR protein in which other variant(s) (p.Pro55Leu) have been determined to be pathogenic (PMID: 8675635, 8878438, 12580936, 19389809). This suggests that this is a clinically significant region of the protein, and that variants that disrupt it are likely to be disease-causing. For these reasons, this variant has been classified as Pathogenic.

Clinical Genetics and Genomics, Karolinska University Hospital
Classification: Likely pathogenic for Familial hypocalciuric hypercalcemia 1. Last evaluated: 2025-03-12. Review status: criteria provided, single submitter. Criteria: ACMG Guidelines, 2015. Collection method: clinical testing. Allele origin: germline. Inheritance: Autosomal dominant inheritance. Affected: yes.

Women's Health and Genetics/Laboratory Corporation of America, LabCorp
Classification: Likely pathogenic for Familial hypocalciuric hypercalcemia. Last evaluated: 2024-08-27. Review status: criteria provided, single submitter. Criteria: LabCorp Variant Classification Summary - May 2015. Collection method: clinical testing. Allele origin: germline.
Comment: Variant summary: CASR c.1A>G (p.Met1Val) alters the initiation codon and is predicted to result either in absence of the protein or truncation of the encoded protein due to translation initiation at a downstream codon. The variant is predicted to disrupt the original Kozak sequence (AXXATGG), altering the protein start site. Computational analysis using a program that predicts start sites identified five potential Kozak sequences: three upstream and one downstream of the original ATG site, which change the protein reading frame and create short sequences with a stop codon, and another downstream in-frame start codon in exon 3 (Met74) 222 bp downstream (PMID 17121537). Multiple pathogenic/likely pathogenic start codon variants have been reported (c.2T>C: LP in our lab, c.2T>G: PATH/ClinVar, c.1A>C: LP/ClinVar), and between the current variant and Met74, multiple pathogenic missense variants have been reported at our lab (p.Ser53Pro, p.Pro55Leu, p.Arg66Cys, p.Arg69His et al). The variant was absent in 251304 control chromosomes. To our knowledge, no occurrence of c.1A>G in individuals affected with Familial Hypocalciuric Hypercalcemia and no experimental evidence demonstrating its impact on protein function have been reported. ClinVar contains an entry for this variant (Variation ID: 1321411). Based on the evidence outlined above, the variant was classified as likely pathogenic.

Literature cited by the submitters: PubMed 17121537 (cited by Labcorp Genetics (formerly Invitae), Labcorp); PubMed 8675635 (cited by Labcorp Genetics (formerly Invitae), Labcorp); PubMed 8878438 (cited by Labcorp Genetics (formerly Invitae), Labcorp); PubMed 12580936 (cited by Labcorp Genetics (formerly Invitae), Labcorp); PubMed 19389809 (cited by Labcorp Genetics (formerly Invitae), Labcorp).

NM_000388.4(CASR):c.1A>G (p.Met1Val)

Gene: CASR (calcium sensing receptor; plus strand). Cytogenetic location: 3q21.1.
Variant type: single nucleotide variant.
Coding change: c.1A>G on transcript NM_000388.4 (MANE Select); coding-DNA position 1, A replaced by G.
Protein change: p.Met1Val; changes the start codon (methionine 1).
Molecular consequence: missense variant, initiator codon variant.
Genome position (GRCh38, 1-based): chr3:122,254,190, A>G. VCF-style: chr3-122254190-A-G. GRCh37 (hg19) VCF-style: chr3-121973037-A-G.
Other names: c.1A>G, p.Met1Val (NM_001178065.2); short protein forms M1V.
Identifiers: ClinVar variation 1321411 (VCV001321411.6), dbSNP rs2107624704, ClinGen allele CA354361910.
Genomic context (GRCh38, chr3:122,254,190, plus strand): 5'-TTCTGGGAGCCTCCAAACTCCTAGCTGTCTCATCCCTTGCCCTGGAGAGACGGCAGAACC[A>G]TGGCATTTTATAGCTGCTGCTGGGTCCTCTTGGCACTCACCTGGCACACCTCTGCCTACG-3'
Protein context (NP_000379.3, residues 1-11): [Met1Val]AFYSCCWVLL